The following is an entry in ClinVar:

ClinVar aggregate classification (germline): Uncertain significance (1 of 4 stars; one submission).

Conditions:
Cardiovascular phenotype. Identifiers: MedGen CN230736.

Submission:

Ambry Genetics
Classification: Uncertain significance for Cardiovascular phenotype. Last evaluated: 2025-05-08. Review status: criteria provided, single submitter. Criteria: Ambry Variant Classification Scheme 2023. Collection method: clinical testing. Allele origin: germline.
Comment: The p.Q1301H variant (also known as c.3903G>T), located in coding exon 9 of the TNXB gene, results from a G to T substitution at nucleotide position 3903. The glutamine at codon 1301 is replaced by histidine, an amino acid with highly similar properties. This amino acid position is conserved. In addition, this alteration is predicted to be tolerated by in silico analysis. Based on the available evidence, the clinical significance of this variant remains unclear.

NM_001365276.2(TNXB):c.3903G>T (p.Gln1301His)

Gene: TNXB (tenascin XB; minus strand). Cytogenetic location: 6p21.33.
Variant type: single nucleotide variant.
Coding change: c.3903G>T on transcript NM_001365276.2 (MANE Select); coding-DNA position 3903, G replaced by T.
Protein change: p.Gln1301His; replaces glutamine 1301 with histidine.
Molecular consequence: missense variant.
Genome position (GRCh38, 1-based): chr6:32,081,507, C>A on the plus strand (G>T on the coding strand, the complement: TNXB is on the minus strand). VCF-style: chr6-32081507-C-A. GRCh37 (hg19) VCF-style: chr6-32049284-C-A.
Other names: c.4644G>T, p.Gln1548His (NM_001428335.1); c.3903G>T, p.Gln1301His (NM_019105.8); short protein forms Q1548H, Q1301H.
Identifiers: ClinVar variation 3971951 (VCV003971951.1).